The following is an entry in ClinVar:

NM_000186.4(CFH):c.3594A>T (p.Glu1198Asp)

Gene: CFH (complement factor H; plus strand). Cytogenetic location: 1q31.3.
Variant type: single nucleotide variant.
Coding change: c.3594A>T on transcript NM_000186.4 (MANE Select); coding-DNA position 3594, A replaced by T.
Protein change: p.Glu1198Asp; replaces glutamic acid 1198 with aspartic acid.
Molecular consequence: missense variant.
Genome position (GRCh38, 1-based): chr1:196,747,211, A>T. VCF-style: chr1-196747211-A-T. GRCh37 (hg19) VCF-style: chr1-196716341-A-T.
Other names: short protein forms E1198D.
Identifiers: ClinVar variation 4291622 (VCV004291622.1).

ClinVar aggregate classification (germline): Uncertain significance (1 of 4 stars; one submission).

Conditions:
Atypical hemolytic-uremic syndrome. Identifiers: Orphanet 2134, MedGen C2931788, MONDO:0016244.

Submission:

Genomenon, Inc
Classification: Uncertain significance for Atypical hemolytic-uremic syndrome. Last evaluated: 2025-10-02. Review status: criteria provided, single submitter. Criteria: Genomenon Sequence Variant Interpretation Standards - Updated. Collection method: curation. Allele origin: germline. Affected: yes.
Comment: CFH p.Glu1198Asp (c.3594A>T) is a missense variant that changes the amino acid at residue 1198 from Glutamic acid to Aspartic acid. This variant has been observed in at least one proband affected with atypical hemolytic-uremic syndrome (PMID:29511899). It is absent or not present at a significant frequency in gnomAD. In conclusion, we classify CFH p.Glu1198Asp (c.3594A>T) as a variant of uncertain significance.

Literature cited by the submitters: PubMed 29511899.